The following is an entry in ClinVar:

ClinVar aggregate classification (germline): Uncertain significance (1 of 4 stars; one submission).

Conditions:
Hereditary cancer-predisposing syndrome. Also called: Neoplastic Syndromes, Hereditary; Tumor predisposition; Hereditary neoplastic syndrome; Hereditary Cancer Syndrome. Identifiers: Orphanet 140162, MedGen C0027672, MeSH D009386, MONDO:0015356.

gnomAD v4.1: 1 of 1,614,194 alleles (0.000062%); highest among the groups gnomAD compares: Admixed American, 0.0017%; no homozygotes.

Submission:

Ambry Genetics
Classification: Uncertain significance for Hereditary cancer-predisposing syndrome. Last evaluated: 2026-07-30. Review status: criteria provided, single submitter. Criteria: Ambry Variant Classification Scheme 2023. Collection method: clinical testing. Allele origin: germline.
Comment: The p.A1080T variant (also known as c.3238G>A), located in coding exon 20 of the RET gene, results from a G to A substitution at nucleotide position 3238. The alanine at codon 1080 is replaced by threonine, an amino acid with similar properties. This amino acid position is conserved. In addition, this alteration is predicted to be tolerated by in silico analysis. Based on the available evidence, the clinical significance of this variant remains unclear.

NM_020975.6(RET):c.3238G>A (p.Ala1080Thr)

Gene: RET (ret proto-oncogene; plus strand). Cytogenetic location: 10q11.21.
Variant type: single nucleotide variant.
Coding change: c.3238G>A on transcript NM_020975.6 (MANE Select); coding-DNA position 3238, G replaced by A.
Protein change: p.Ala1080Thr; replaces alanine 1080 with threonine.
Molecular consequence: missense variant. On other transcripts: 3 prime UTR variant (18), intron variant (3).
Genome position (GRCh38, 1-based): chr10:43,128,162, G>A. VCF-style: chr10-43128162-G-A. GRCh37 (hg19) VCF-style: chr10-43623610-G-A.
Other names: c.3178G>A, p.Ala1060Thr (NM_001406759.1, NM_001406760.1); c.3109G>A, p.Ala1037Thr (NM_001406761.1, NM_001406762.1); c.3103G>A, p.Ala1035Thr (NM_001406763.1); c.*1408G>A (NM_001406764.1, NM_001406765.1, NM_001406768.1 and 15 more transcripts); c.2950G>A, p.Ala984Thr (NM_001406766.1, NM_001406767.1); c.3188-1356G>A (NM_001406744.1); c.2291-1356G>A (NM_001406781.1); c.2462-1356G>A (NM_001406776.1); and 10 more; short protein forms A1035T, A1060T, A738T, A781T, A934T, A1080T, A597T, A818T.
Identifiers: ClinVar variation 5028196 (VCV005028196.1).